The following is an entry in ClinVar:

NM_001112741.2(KCNC1):c.1252G>T (p.Ala418Ser)

Gene: KCNC1 (potassium voltage-gated channel subfamily C member 1; plus strand). Cytogenetic location: 11p15.1.
Variant type: single nucleotide variant.
Coding change: c.1252G>T on transcript NM_001112741.2 (MANE Select); coding-DNA position 1252, G replaced by T.
Protein change: p.Ala418Ser; replaces alanine 418 with serine.
Molecular consequence: missense variant.
Genome position (GRCh38, 1-based): chr11:17,772,346, G>T. VCF-style: chr11-17772346-G-T. GRCh37 (hg19) VCF-style: chr11-17793893-G-T.
Other names: c.1252G>T, p.Ala418Ser (NM_004976.4); short protein forms A418S.
Identifiers: ClinVar variation 1036828 (VCV001036828.15), dbSNP rs1849239426, ClinGen allele CA379808853.

ClinVar aggregate classification (germline): Uncertain significance. Review status: criteria provided, multiple submitters, no conflicts (2 of 4 stars). 2 submissions from 2 submitters: Uncertain significance (2). Last evaluated 2022-07-26.

Conditions:
Progressive myoclonic epilepsy type 7. Identifiers: Orphanet 435438, MedGen C4015420, MONDO:0014521, OMIM 616187.

Submissions (2):

Labcorp Genetics (formerly Invitae), Labcorp
Classification: Uncertain significance for Progressive myoclonic epilepsy type 7. Last evaluated: 2022-07-26. Review status: criteria provided, single submitter. Criteria: Invitae Variant Classification Sherloc (09022015). Collection method: clinical testing. Allele origin: germline.
Comment: In summary, the available evidence is currently insufficient to determine the role of this variant in disease. Therefore, it has been classified as a Variant of Uncertain Significance. Algorithms developed to predict the effect of missense changes on protein structure and function are either unavailable or do not agree on the potential impact of this missense change (SIFT: "Tolerated"; PolyPhen-2: "Probably Damaging"; Align-GVGD: "Class C0"). ClinVar contains an entry for this variant (Variation ID: 1036828). This variant has not been reported in the literature in individuals affected with KCNC1-related conditions. This variant is not present in population databases (gnomAD no frequency). This sequence change replaces alanine, which is neutral and non-polar, with serine, which is neutral and polar, at codon 418 of the KCNC1 protein (p.Ala418Ser).

Mayo Clinic Laboratories, Mayo Clinic
Classification: Uncertain significance. Last evaluated: 2020-09-17. Review status: criteria provided, single submitter. Criteria: ACMG Guidelines, 2015. Collection method: clinical testing. Allele origin: germline. Observed: 1 variant allele.